The following is an entry in ClinVar:

NM_001148.6(ANK2):c.3278A>T (p.Glu1093Val)

Gene: ANK2 (ankyrin 2; plus strand). Cytogenetic location: 4q26.
Variant type: single nucleotide variant.
Coding change: c.3278A>T on transcript NM_001148.6 (MANE Select); coding-DNA position 3278, A replaced by T.
Protein change: p.Glu1093Val; replaces glutamic acid 1093 with valine.
Molecular consequence: missense variant.
Genome position (GRCh38, 1-based): chr4:113,333,107, A>T. VCF-style: chr4-113333107-A-T. GRCh37 (hg19) VCF-style: chr4-114254263-A-T.
Other names: c.3251A>T, p.Glu1084Val (NM_001127493.3); c.3290A>T, p.Glu1097Val (NM_001354225.2); c.3179A>T, p.Glu1060Val (NM_001354228.2, NM_001354258.2); c.3257A>T, p.Glu1086Val (NM_001354230.2); c.3320A>T, p.Glu1107Val (NM_001354231.2, NM_001354242.2); c.3314A>T, p.Glu1105Val (NM_001354232.2); c.3275A>T, p.Glu1092Val (NM_001354235.2, NM_001354246.2, NM_001354265.2); c.3176A>T, p.Glu1059Val (NM_001354236.2); and 28 more; short protein forms E1059V, E1084V, E1088V, E1097V, E269V, E965V, E1006V, E1039V.
Identifiers: ClinVar variation 1729679 (VCV001729679.2), dbSNP rs2502649135, ClinGen allele CA357936043.

ClinVar aggregate classification (germline): Uncertain significance (1 of 4 stars; one submission).

Conditions:
Cardiovascular phenotype. Identifiers: MedGen CN230736.

Submission:

Ambry Genetics
Classification: Uncertain significance for Cardiovascular phenotype. Last evaluated: 2022-09-17. Review status: criteria provided, single submitter. Criteria: Ambry Variant Classification Scheme 2023. Collection method: clinical testing. Allele origin: germline.
Comment: The p.E1093V variant (also known as c.3278A>T), located in coding exon 29 of the ANK2 gene, results from an A to T substitution at nucleotide position 3278. The glutamic acid at codon 1093 is replaced by valine, an amino acid with dissimilar properties. This amino acid position is conserved. In addition, this alteration is predicted to be deleterious by in silico analysis. Since supporting evidence is limited at this time, the clinical significance of this alteration remains unclear.